The following is an entry in ClinVar:

Single allele

Variant type: Duplication.
Identifiers: ClinVar variation 559465 (VCV000559465.3).

ClinVar aggregate classification (germline): Uncertain significance (1 of 4 stars; one submission).

Submission:

Geisinger Autism and Developmental Medicine Institute, Geisinger Health System
Classification: Uncertain significance. Last evaluated: 2018-03-22. Review status: criteria provided, single submitter. Criteria: ACMG CNV Guidelines, 2011. Collection method: provider interpretation. Allele origin: paternal.
Comment: The duplication includes 7 OMIM genes. Two of these genes are associated with known conditions - TUBB2A and TUBB2B. Heterozygous missense variants in TUBB2B are associated with microcephaly, brain abnormalities, developmental delays, intellectual disability, and seizures. Heterozygous missense variants in TUBB2A have been associated with hypotonia, brain abnormlities, seizures, and intellectual disability. The effect of a duplication of these genes is unclear.